The following is an entry in ClinVar:

ClinVar aggregate classification (germline): Conflicting classifications of pathogenicity. Review status: criteria provided, conflicting classifications (1 of 4 stars). 6 submissions from 6 submitters: Uncertain significance (1); Benign (2); Likely benign (3). Last evaluated 2026-04-15.

Conditions:
Ehlers-Danlos syndrome, classic type, 1 (EDSCL1). Also called: Ehlers-Danlos Syndrome, Classic Type, COL5A1-Related; EHLERS-DANLOS SYNDROME, GRAVIS TYPE; EHLERS-DANLOS SYNDROME, SEVERE CLASSIC TYPE; Ehlers-Danlos syndrome, type 1; EDS I. Identifiers: MedGen C0268335, MONDO:0019567, OMIM 130000.
Ehlers-Danlos syndrome (EDS). Identifiers: Orphanet 98249, MedGen C0013720, MONDO:0020066.
Familial thoracic aortic aneurysm and aortic dissection (TAAD). Also called: Thoracic aortic aneurysms and dissections. Identifiers: Orphanet 91387, MedGen C4707243, MONDO:0019625.

Allele frequency attached by ClinVar (database versions not stated): gnomAD exomes 0.00008 and 0.00004; gnomAD 0.00005 and 0.00006; ESP Exome Variant Server 0.00008; ExAC 0.00003; TOPMed 0.00007.
gnomAD v4.1: 66 of 1,613,832 alleles (0.0041%); highest among the groups gnomAD compares: Admixed American, 0.025%; no homozygotes.

Submissions (6):

Women's Health and Genetics/Laboratory Corporation of America, LabCorp
Classification: Benign. Last evaluated: 2026-04-15. Review status: criteria provided, single submitter. Criteria: LabCorp Variant Classification Summary - May 2015. Collection method: clinical testing. Allele origin: germline.

Labcorp Genetics (formerly Invitae), Labcorp
Classification: Likely benign for Ehlers-Danlos syndrome, classic type, 1. Last evaluated: 2025-12-21. Review status: criteria provided, single submitter. Criteria: Invitae Variant Classification Sherloc (09022015). Collection method: clinical testing. Allele origin: germline.

Ambry Genetics
Classification: Likely benign for Familial thoracic aortic aneurysm and aortic dissection. Last evaluated: 2024-07-02. Review status: criteria provided, single submitter. Criteria: Ambry Variant Classification Scheme 2023. Collection method: clinical testing. Allele origin: germline.

Genome Diagnostics Laboratory, The Hospital for Sick Children
Classification: Likely benign for Ehlers-Danlos syndrome. Last evaluated: 2019-08-01. Review status: criteria provided, single submitter. Criteria: ACMG Guidelines, 2015. Collection method: clinical testing. Allele origin: germline.

GeneDx
Classification: Benign. Last evaluated: 2015-04-23. Review status: criteria provided, single submitter. Criteria: GeneDx Variant Classification (06012015). Collection method: clinical testing. Allele origin: germline. Affected: yes.
Comment: This variant is considered likely benign or benign based on one or more of the following criteria: it is a conservative change, it occurs at a poorly conserved position in the protein, it is predicted to be benign by multiple in silico algorithms, and/or has population frequency not consistent with disease.

Eurofins Ntd Llc (ga)
Classification: Uncertain significance. Last evaluated: 2015-01-19. Review status: criteria provided, single submitter. Criteria: EGL Classification Definitions 2015. Collection method: clinical testing. Allele origin: germline. Observed: 1 variant allele, 1 heterozygote.

NM_000093.5(COL5A1):c.1896C>T (p.Phe632=)

Gene: COL5A1 (collagen type V alpha 1 chain; plus strand). Cytogenetic location: 9q34.3.
Variant type: single nucleotide variant.
Coding change: c.1896C>T on transcript NM_000093.5 (MANE Select); coding-DNA position 1896, C replaced by T.
Protein change: p.Phe632=; no amino-acid change (phenylalanine 632 retained).
Molecular consequence: synonymous variant.
Genome position (GRCh38, 1-based): chr9:134,758,257, C>T. VCF-style: chr9-134758257-C-T. GRCh37 (hg19) VCF-style: chr9-137650103-C-T.
Other names: c.1896C>T, p.Phe632= (NM_001278074.1).
Identifiers: ClinVar variation 194807 (VCV000194807.24), dbSNP rs376478864, ClinGen allele CA240987.